The following is an entry in ClinVar:

ClinVar aggregate classification (germline): Uncertain significance. Review status: criteria provided, multiple submitters, no conflicts (2 of 4 stars). 4 submissions from 4 submitters: Uncertain significance (4). Last evaluated 2025-10-01.

Conditions:
Hereditary cancer-predisposing syndrome. Also called: Hereditary Cancer Syndrome; Tumor predisposition; Hereditary neoplastic syndrome; Neoplastic Syndromes, Hereditary. Identifiers: Orphanet 140162, MedGen C0027672, MeSH D009386, MONDO:0015356.
BAP1-related tumor predisposition syndrome (TPDS1). Also called: COMMON Syndrome; TUMOR PREDISPOSITION SYNDROME 1; BAP1 tumor predisposition syndrome; Tumor susceptibility linked to germline BAP1 mutations. Identifiers: Orphanet 289539, MedGen C3280492, MONDO:0013692, OMIM 614327.

Allele frequency attached by ClinVar (database versions not stated): gnomAD exomes 0.00001.
gnomAD v4.1: 4 of 1,614,058 alleles (0.00025%); highest among the groups gnomAD compares: South Asian, 0.0022%; no homozygotes.

Submissions (4):

Labcorp Genetics (formerly Invitae), Labcorp
Classification: Uncertain significance for BAP1-related tumor predisposition syndrome. Last evaluated: 2025-10-01. Review status: criteria provided, single submitter. Criteria: Invitae Variant Classification Sherloc (09022015). Collection method: clinical testing. Allele origin: germline.
Comment: This sequence change replaces isoleucine, which is neutral and non-polar, with valine, which is neutral and non-polar, at codon 544 of the BAP1 protein (p.Ile544Val). This variant is not present in population databases (gnomAD no frequency). This variant has not been reported in the literature in individuals affected with BAP1-related conditions. ClinVar contains an entry for this variant (Variation ID: 1045137). An algorithm developed to predict the effect of missense changes on protein structure and function (PolyPhen-2) suggests that this variant is likely to be tolerated. In summary, the available evidence is currently insufficient to determine the role of this variant in disease. Therefore, it has been classified as a Variant of Uncertain Significance.

Color Diagnostics, LLC DBA Color Health
Classification: Uncertain significance for Hereditary cancer-predisposing syndrome. Last evaluated: 2024-03-07. Review status: criteria provided, single submitter. Criteria: ACMG Guidelines, 2015. Collection method: clinical testing. Allele origin: germline.
Comment: This missense variant replaces isoleucine with valine at codon 544 of the BAP1 protein. Computational prediction suggests that this variant may not impact protein structure and function (internally defined REVEL score threshold <= 0.5, PMID: 27666373). To our knowledge, functional studies have not been reported for this variant. This variant has not been reported in individuals affected with hereditary cancer in the literature. This variant has not been identified in the general population by the Genome Aggregation Database (gnomAD). The available evidence is insufficient to determine the role of this variant in disease conclusively. Therefore, this variant is classified as a Variant of Uncertain Significance.

Ambry Genetics
Classification: Uncertain significance for Hereditary cancer-predisposing syndrome. Last evaluated: 2023-12-29. Review status: criteria provided, single submitter. Criteria: Ambry Variant Classification Scheme 2023. Collection method: clinical testing. Allele origin: germline.
Comment: The p.I544V variant (also known as c.1630A>G), located in coding exon 13 of the BAP1 gene, results from an A to G substitution at nucleotide position 1630. The isoleucine at codon 544 is replaced by valine, an amino acid with highly similar properties. This amino acid position is conserved. In addition, this alteration is predicted to be tolerated by in silico analysis. Since supporting evidence is limited at this time, the clinical significance of this alteration remains unclear.

Revvity Omics, Revvity
Classification: Uncertain significance. Last evaluated: 2021-09-10. Review status: criteria provided, single submitter. Criteria: ACMG Guidelines, 2015. Collection method: clinical testing. Allele origin: germline.

NM_004656.4(BAP1):c.1630A>G (p.Ile544Val)

Gene: BAP1 (BRCA1 associated deubiquitinase 1; minus strand). Cytogenetic location: 3p21.1.
Variant type: single nucleotide variant.
Coding change: c.1630A>G on transcript NM_004656.4 (MANE Select); coding-DNA position 1630, A replaced by G.
Protein change: p.Ile544Val; replaces isoleucine 544 with valine.
Molecular consequence: missense variant.
Genome position (GRCh38, 1-based): chr3:52,403,515, T>C on the plus strand (A>G on the coding strand, the complement: BAP1 is on the minus strand). VCF-style: chr3-52403515-T-C. GRCh37 (hg19) VCF-style: chr3-52437531-T-C.
Other names: c.1630A>G (NM_004656.2); short protein forms I544V.
Identifiers: ClinVar variation 1045137 (VCV001045137.12), dbSNP rs1705040492, ClinGen allele CA353100193.